The following is an entry in ClinVar:

ClinVar aggregate classification (germline): Uncertain significance (1 of 4 stars; one submission).

Conditions:
Bardet-Biedl syndrome (BBS). Identifiers: Orphanet 110, MedGen C0752166, MONDO:0015229.

Allele frequency attached by ClinVar (database versions not stated): gnomAD exomes below 0.00001.

Submission:

Labcorp Genetics (formerly Invitae), Labcorp
Classification: Uncertain significance for Bardet-Biedl syndrome. Last evaluated: 2023-06-25. Review status: criteria provided, single submitter. Criteria: Invitae Variant Classification Sherloc (09022015). Collection method: clinical testing. Allele origin: germline.
Comment: In summary, the available evidence is currently insufficient to determine the role of this variant in disease. Therefore, it has been classified as a Variant of Uncertain Significance. Advanced modeling of protein sequence and biophysical properties (such as structural, functional, and spatial information, amino acid conservation, physicochemical variation, residue mobility, and thermodynamic stability) performed at Invitae indicates that this missense variant is expected to disrupt BBS10 protein function. This variant has not been reported in the literature in individuals affected with BBS10-related conditions. This variant is not present in population databases (gnomAD no frequency). This sequence change replaces proline, which is neutral and non-polar, with leucine, which is neutral and non-polar, at codon 601 of the BBS10 protein (p.Pro601Leu).

NM_024685.4(BBS10):c.1802C>T (p.Pro601Leu)

Gene: BBS10 (Bardet-Biedl syndrome 10; minus strand). Cytogenetic location: 12q21.2.
Variant type: single nucleotide variant.
Coding change: c.1802C>T on transcript NM_024685.4 (MANE Select); coding-DNA position 1802, C replaced by T.
Protein change: p.Pro601Leu; replaces proline 601 with leucine.
Molecular consequence: missense variant.
Genome position (GRCh38, 1-based): chr12:76,346,183, G>A on the plus strand (C>T on the coding strand, the complement: BBS10 is on the minus strand). VCF-style: chr12-76346183-G-A. GRCh37 (hg19) VCF-style: chr12-76739963-G-A.
Other names: short protein forms P601L.
Identifiers: ClinVar variation 2729097 (VCV002729097.3), dbSNP rs2540955212, ClinGen allele CA385809872.